The following is an entry in ClinVar:

ClinVar aggregate classification (germline): Uncertain significance. Review status: criteria provided, multiple submitters, no conflicts (2 of 4 stars). 2 submissions from 2 submitters: Uncertain significance (2). Last evaluated 2025-06-25.

Conditions:
Hereditary cancer-predisposing syndrome. Also called: Neoplastic Syndromes, Hereditary; Tumor predisposition; Hereditary neoplastic syndrome; Hereditary Cancer Syndrome. Identifiers: Orphanet 140162, MedGen C0027672, MeSH D009386, MONDO:0015356.
Familial adenomatous polyposis 1 (FAP1). Also called: POLYPOSIS, ADENOMATOUS INTESTINAL; FAMILIAL ADENOMATOUS POLYPOSIS 1, ATTENUATED. Identifiers: MedGen C2713442, MONDO:0021056, OMIM 175100. Disease mechanism: loss of function.

Allele frequency attached by ClinVar (database versions not stated): gnomAD exomes below 0.00001.
gnomAD v4.1: 2 of 1,614,132 alleles (0.00012%); highest among the groups gnomAD compares: East Asian, 0.0045%; no homozygotes.

Submissions (2):

Labcorp Genetics (formerly Invitae), Labcorp
Classification: Uncertain significance for Familial adenomatous polyposis 1. Last evaluated: 2025-06-25. Review status: criteria provided, single submitter. Criteria: Invitae Variant Classification Sherloc (09022015). Collection method: clinical testing. Allele origin: germline.
Comment: This sequence change replaces leucine, which is neutral and non-polar, with proline, which is neutral and non-polar, at codon 1660 of the APC protein (p.Leu1660Pro). This variant is not present in population databases (gnomAD no frequency). This variant has not been reported in the literature in individuals affected with APC-related conditions. ClinVar contains an entry for this variant (Variation ID: 825339). Invitae Evidence Modeling of protein sequence and biophysical properties (such as structural, functional, and spatial information, amino acid conservation, physicochemical variation, residue mobility, and thermodynamic stability) indicates that this missense variant is not expected to disrupt APC protein function with a negative predictive value of 95%. In summary, the available evidence is currently insufficient to determine the role of this variant in disease. Therefore, it has been classified as a Variant of Uncertain Significance.

Ambry Genetics
Classification: Uncertain significance for Hereditary cancer-predisposing syndrome. Last evaluated: 2020-10-01. Review status: criteria provided, single submitter. Criteria: Ambry Variant Classification Scheme 2023. Collection method: clinical testing. Allele origin: germline.
Comment: The p.L1660P variant (also known as c.4979T>C), located in coding exon 15 of the APC gene, results from a T to C substitution at nucleotide position 4979. The leucine at codon 1660 is replaced by proline, an amino acid with similar properties. This amino acid position is highly conserved in available vertebrate species. In addition, in silico predictors for this gene do not accurately predict pathogenicity. Since supporting evidence is limited at this time, the clinical significance of this alteration remains unclear.

NM_000038.6(APC):c.4979T>C (p.Leu1660Pro)

Gene: APC (APC regulator of Wnt signaling pathway; plus strand). Cytogenetic location: 5q22.2.
Variant type: single nucleotide variant.
Coding change: c.4979T>C on transcript NM_000038.6 (MANE Select); coding-DNA position 4979, T replaced by C.
Protein change: p.Leu1660Pro; replaces leucine 1660 with proline.
Molecular consequence: missense variant.
Genome position (GRCh38, 1-based): chr5:112,840,573, T>C. VCF-style: chr5-112840573-T-C. GRCh37 (hg19) VCF-style: chr5-112176270-T-C.
Other names: c.4979T>C, p.Leu1660Pro (NM_001127510.3, NM_001354895.2); c.4925T>C, p.Leu1642Pro (NM_001127511.3); c.5033T>C, p.Leu1678Pro (NM_001354896.2); c.5009T>C, p.Leu1670Pro (NM_001354897.2); c.4904T>C, p.Leu1635Pro (NM_001354898.2); c.4895T>C, p.Leu1632Pro (NM_001354899.2); c.4856T>C, p.Leu1619Pro (NM_001354900.2); c.4802T>C, p.Leu1601Pro (NM_001354901.2); and 5 more; short protein forms L1635P, L1642P, L1377P, L1660P, L1678P, L1500P, L1534P, L1559P.
Identifiers: ClinVar variation 825339 (VCV000825339.15), dbSNP rs1580654868, ClinGen allele CA16032231.